The following is an entry in ClinVar:

ClinVar aggregate classification (germline): Uncertain significance (1 of 4 stars; one submission).

gnomAD v4.1: 3 of 1,462,188 alleles (0.00021%); highest among the groups gnomAD compares: Non-Finnish European, 0.00028%; no homozygotes.

Submission:

Labcorp Genetics (formerly Invitae), Labcorp
Classification: Uncertain significance. Last evaluated: 2024-09-17. Review status: criteria provided, single submitter. Criteria: Invitae Variant Classification Sherloc (09022015). Collection method: clinical testing. Allele origin: germline.
Comment: This sequence change falls in intron 13 of the C7 gene. It does not directly change the encoded amino acid sequence of the C7 protein. This variant is not present in population databases (gnomAD no frequency). This variant has not been reported in the literature in individuals affected with C7-related conditions. Algorithms developed to predict the effect of sequence changes on RNA splicing suggest that this variant may disrupt the consensus splice site. In summary, the available evidence is currently insufficient to determine the role of this variant in disease. Therefore, it has been classified as a Variant of Uncertain Significance.

NM_000587.4(C7):c.1749+15A>G

Gene: C7 (complement C7; plus strand). Cytogenetic location: 5p13.1.
Variant type: single nucleotide variant.
Coding change: c.1749+15A>G on transcript NM_000587.4 (MANE Select); 15 bases into the intron after coding-DNA position 1749, A replaced by G.
Molecular consequence: intron variant.
Genome position (GRCh38, 1-based): chr5:40,962,187, A>G. VCF-style: chr5-40962187-A-G. GRCh37 (hg19) VCF-style: chr5-40962289-A-G.
Identifiers: ClinVar variation 3622018 (VCV003622018.2).
Genomic context (GRCh38, chr5:40,962,187, plus strand): 5'-AGAATTCTGTCCATCACCTCCTGCCTTGAAAGATGGATTTGTTCAAGTTGGTTATGAAAG[A>G]TATTTTTTTCCTTTATAATGCTCTAACTTCTATCTCTCTGCTGAGCCCATAACCTATTTT-3'